The following is an entry in ClinVar:

ClinVar aggregate classification (germline): Pathogenic (1 of 4 stars; one submission).

Conditions:
Sessile serrated polyposis cancer syndrome (SSPCS). Identifiers: Orphanet 157798, MedGen C4310714, MONDO:0014919, OMIM 617108.

Submission:

Myriad Genetics, Inc.
Classification: Pathogenic for Sessile serrated polyposis cancer syndrome. Last evaluated: 2025-12-15. Review status: criteria provided, single submitter. Criteria: Myriad Autosomal Dominant, Autosomal Recessive and X-Linked Classification Criteria (2023). Collection method: clinical testing. Allele origin: unknown.
Comment: This variant is considered pathogenic. This variant creates a frameshift predicted to result in premature protein truncation.

NM_017763.6(RNF43):c.1433_1434del (p.Ser478fs)

Gene: RNF43 (ring finger protein 43; minus strand). Cytogenetic location: 17q22.
Variant type: Microsatellite.
Coding change: c.1433_1434del on transcript NM_017763.6 (MANE Select); coding-DNA positions 1433 to 1434, 2 bases deleted (CT; older notation c.1433_1434delCT).
Protein change: p.Ser478fs; shifts the reading frame from serine 478.
Molecular consequence: frameshift variant.
Genome position (GRCh38, 1-based): chr17:58,358,342-58,358,343, AG deleted on the plus strand (CT on the coding strand, the reverse complement: RNF43 is on the minus strand); deleting any 2 consecutive bases within chr17:58,358,342-58,358,345 gives the same sequence; the c. name uses the placement nearest the transcript's 3' end. VCF-style (leftmost placement, unchanged base first): chr17-58358341-CAG-C. GRCh37 (hg19) VCF-style: chr17-56435702-CAG-C.
Other names: c.1433_1434del, p.Ser478fs (NM_001305544.3, NM_001438820.1, NM_001438821.1 and 1 more transcripts); c.1052_1053del, p.Ser351fs (NM_001305545.2, NM_001437987.1); short protein forms S351fs, S478fs.
Identifiers: ClinVar variation 4812968 (VCV004812968.1).